The following is an entry in ClinVar:

ClinVar aggregate classification (germline): Uncertain significance (1 of 4 stars; one submission).

Conditions:
RASopathy. Also called: Noonan spectrum disorder; rasopathies. Identifiers: Orphanet 536391, MedGen C5555857, MONDO:0021060.

Allele frequency attached by ClinVar (database versions not stated): gnomAD exomes below 0.00001.
gnomAD v4.1: 2 of 1,614,124 alleles (0.00012%); highest among the groups gnomAD compares: South Asian, 0.0011%; no homozygotes.

Submission:

Labcorp Genetics (formerly Invitae), Labcorp
Classification: Uncertain significance for RASopathy. Last evaluated: 2022-06-13. Review status: criteria provided, single submitter. Criteria: Invitae Variant Classification Sherloc (09022015). Collection method: clinical testing. Allele origin: germline.
Comment: ClinVar contains an entry for this variant (Variation ID: 1013818). In summary, the available evidence is currently insufficient to determine the role of this variant in disease. Therefore, it has been classified as a Variant of Uncertain Significance. Algorithms developed to predict the effect of missense changes on protein structure and function are either unavailable or do not agree on the potential impact of this missense change (SIFT: "Deleterious"; PolyPhen-2: "Benign"; Align-GVGD: "Class C45"). This variant has not been reported in the literature in individuals affected with BRAF-related conditions. This variant is not present in population databases (gnomAD no frequency). This sequence change replaces asparagine, which is neutral and polar, with serine, which is neutral and polar, at codon 368 of the BRAF protein (p.Asn368Ser).

NM_004333.6(BRAF):c.1103A>G (p.Asn368Ser)

Genes: BRAF (B-Raf proto-oncogene, serine/threonine kinase; minus strand), LOC126860202 (BRD4-independent group 4 enhancer GRCh37_chr7:140493623-140494822; plus strand). Cytogenetic location: 7q34.
Variant type: single nucleotide variant.
Coding change: c.1103A>G on transcript NM_004333.6 (MANE Select); coding-DNA position 1103, A replaced by G.
Protein change: p.Asn368Ser; replaces asparagine 368 with serine.
Molecular consequence: missense variant.
Genome position (GRCh38, 1-based): chr7:140,794,345, T>C on the plus strand (A>G on the coding strand, the complement: BRAF is on the minus strand). VCF-style: chr7-140794345-T-C. GRCh37 (hg19) VCF-style: chr7-140494145-T-C.
Other names: c.1103A>G, p.Asn368Ser (NM_001354609.2, NM_001374244.1, NM_001374258.1 and 4 more transcripts); c.1112A>G, p.Asn371Ser (NM_001378467.1); c.1001A>G, p.Asn334Ser (NM_001378470.1); c.947A>G, p.Asn316Ser (NM_001378472.1, NM_001378473.1); c.839A>G, p.Asn280Ser (NM_001378475.1); short protein forms N280S, N316S, N334S, N368S, N371S.
Identifiers: ClinVar variation 1013818 (VCV001013818.9), dbSNP rs1802300066, ClinGen allele CA369589761.
Genomic context (GRCh38, chr7:140,794,345, plus strand): 5'-TTCTAGCAATGCTGGATACTTACATCAATATTGACAGGTTCTATTGTGTTTATATGCACA[T>C]TGGGAGCTGATGAGGATCGGTCTCGTTGCCCAAATTGATTTCGATGATCTTCATCTGCTG-3'
Protein context (NP_004324.2, residues 358-378): GQRDRSSSAP[Asn368Ser]VHINTIEPVN